The following is an entry in ClinVar:

NM_000384.3(APOB):c.12203C>A (p.Thr4068Asn)

Gene: APOB (apolipoprotein B; minus strand). Cytogenetic location: 2p24.1.
Variant type: single nucleotide variant.
Coding change: c.12203C>A on transcript NM_000384.3 (MANE Select); coding-DNA position 12203, C replaced by A.
Protein change: p.Thr4068Asn; replaces threonine 4068 with asparagine.
Molecular consequence: missense variant.
Genome position (GRCh38, 1-based): chr2:21,003,219, G>T on the plus strand (C>A on the coding strand, the complement: APOB is on the minus strand). VCF-style: chr2-21003219-G-T. GRCh37 (hg19) VCF-style: chr2-21226091-G-T.
Other names: short protein forms T4068N.
Identifiers: ClinVar variation 3307557 (VCV003307557.1).

ClinVar aggregate classification (germline): Uncertain significance (1 of 4 stars; one submission).

Conditions:
Cardiovascular phenotype. Identifiers: MedGen CN230736.

gnomAD v4.1: 1 of 1,614,014 alleles (0.000062%); highest among the groups gnomAD compares: East Asian, 0.0022%; no homozygotes.

Submission:

Ambry Genetics
Classification: Uncertain significance for Cardiovascular phenotype. Last evaluated: 2024-04-04. Review status: criteria provided, single submitter. Criteria: Ambry Variant Classification Scheme 2023. Collection method: clinical testing. Allele origin: germline.
Comment: The p.T4068N variant (also known as c.12203C>A), located in coding exon 29 of the APOB gene, results from a C to A substitution at nucleotide position 12203. The threonine at codon 4068 is replaced by asparagine, an amino acid with similar properties. This amino acid position is conserved. In addition, this alteration is predicted to be tolerated by in silico analysis. Based on the available evidence, the clinical significance of this variant remains unclear.